The following is an entry in ClinVar:

NM_000660.7(TGFB1):c.392T>C (p.Ile131Thr)

Gene: TGFB1 (transforming growth factor beta 1; minus strand). Cytogenetic location: 19q13.2.
Variant type: single nucleotide variant.
Coding change: c.392T>C on transcript NM_000660.7 (MANE Select); coding-DNA position 392, T replaced by C.
Protein change: p.Ile131Thr; replaces isoleucine 131 with threonine.
Molecular consequence: missense variant.
Genome position (GRCh38, 1-based): chr19:41,348,419, A>G on the plus strand (T>C on the coding strand, the complement: TGFB1 is on the minus strand). VCF-style: chr19-41348419-A-G. GRCh37 (hg19) VCF-style: chr19-41854324-A-G.
Other names: short protein forms I131T.
Identifiers: ClinVar variation 2804599 (VCV002804599.3), dbSNP rs200652346, ClinGen allele CA308515441.
Genomic context (GRCh38, chr19:41,348,419, plus strand): 5'-GAGAGCAACACGGGTTCAGGTACCGCTTCTCGGAGCTCTGATGTGTTGAAGAACATATAT[A>G]TGCTGTGTGTACTCTGCTTGAACTTGTCATAGATTTCTAGCAGGGAGAAATGAAGGGAGG-3'
Protein context (NP_000651.3, residues 121-141): YDKFKQSTHS[Ile131Thr]YMFFNTSELR

ClinVar aggregate classification (germline): Uncertain significance (1 of 4 stars; one submission).

Allele frequency attached by ClinVar (database versions not stated): TOPMed below 0.00001; gnomAD 0.00001; gnomAD exomes 0.00001.
gnomAD v4.1: 10 of 1,612,676 alleles (0.00062%); highest among the groups gnomAD compares: Non-Finnish European, 0.00085%; no homozygotes.

Submission:

Labcorp Genetics (formerly Invitae), Labcorp
Classification: Uncertain significance. Last evaluated: 2024-04-15. Review status: criteria provided, single submitter. Criteria: Invitae Variant Classification Sherloc (09022015). Collection method: clinical testing. Allele origin: germline.
Comment: This sequence change replaces isoleucine, which is neutral and non-polar, with threonine, which is neutral and polar, at codon 131 of the TGFB1 protein (p.Ile131Thr). This variant is not present in population databases (gnomAD no frequency). This variant has not been reported in the literature in individuals affected with TGFB1-related conditions. Advanced modeling of protein sequence and biophysical properties (such as structural, functional, and spatial information, amino acid conservation, physicochemical variation, residue mobility, and thermodynamic stability) performed at Invitae indicates that this missense variant is not expected to disrupt TGFB1 protein function with a negative predictive value of 80%. In summary, the available evidence is currently insufficient to determine the role of this variant in disease. Therefore, it has been classified as a Variant of Uncertain Significance.